The following is an entry in ClinVar:

NM_000498.3(CYP11B2):c.793C>T (p.Gln265Ter)

Genes: CYP11B2 (cytochrome P450 family 11 subfamily B member 2; minus strand), LOC106799834 (CYP11B2 recombination region; plus strand). Cytogenetic location: 8q24.3.
Variant type: single nucleotide variant.
Coding change: c.793C>T on transcript NM_000498.3 (MANE Select); coding-DNA position 793, C replaced by T.
Protein change: p.Gln265Ter; replaces glutamine 265 with a stop codon.
Molecular consequence: nonsense.
Genome position (GRCh38, 1-based): chr8:142,914,711, G>A on the plus strand (C>T on the coding strand, the complement: CYP11B2 is on the minus strand). VCF-style: chr8-142914711-G-A. GRCh37 (hg19) VCF-style: chr8-143996127-G-A.
Other names: short protein forms Q265*.
Identifiers: ClinVar variation 2674686 (VCV002674686.1), dbSNP rs748967395, ClinGen allele CA372389091.

ClinVar aggregate classification (germline): Pathogenic (1 of 4 stars; one submission).

Conditions:
CYP11B2-related disorder.

Submission:

Clinical Biochemistry Laboratory, Health Services Laboratory
Classification: Pathogenic for CYP11B2-related disorder. Last evaluated: 2023-11-20. Review status: criteria provided, single submitter. Criteria: ACMG Guidelines, 2015. Collection method: clinical testing. Allele origin: germline. Affected: yes.
Comment: ACMG:PVS1 PM2 PP3